The following is an entry in ClinVar:

NM_000053.4(ATP7B):c.4343A>T (p.Asp1448Val)

Gene: ATP7B (ATPase copper transporting beta; minus strand). Cytogenetic location: 13q14.3.
Variant type: single nucleotide variant.
Coding change: c.4343A>T on transcript NM_000053.4 (MANE Select); coding-DNA position 4343, A replaced by T.
Protein change: p.Asp1448Val; replaces aspartic acid 1448 with valine.
Molecular consequence: missense variant.
Genome position (GRCh38, 1-based): chr13:51,934,811, T>A on the plus strand (A>T on the coding strand, the complement: ATP7B is on the minus strand). VCF-style: chr13-51934811-T-A. GRCh37 (hg19) VCF-style: chr13-52508947-T-A.
Other names: c.3722A>T, p.Asp1241Val (NM_001005918.3); c.4010A>T, p.Asp1337Val (NM_001243182.2); c.4109A>T, p.Asp1370Val (NM_001330578.2, NM_001406527.1, NM_001406528.1); c.4091A>T, p.Asp1364Val (NM_001330579.2, NM_001406531.1, NM_001406532.1); c.4343A>T, p.Asp1448Val (NM_001406511.1, NM_001406512.1); c.4337A>T, p.Asp1446Val (NM_001406513.1); c.4310A>T, p.Asp1437Val (NM_001406514.1); c.4289A>T, p.Asp1430Val (NM_001406515.1, NM_001406516.1); and 21 more; short protein forms D1018V, D1167V, D1221V, D1232V, D1241V, D1254V, D1284V, D1286V.
Identifiers: ClinVar variation 4757237 (VCV004757237.1).

ClinVar aggregate classification (germline): Uncertain significance (1 of 4 stars; one submission).

Conditions:
Wilson disease (WND). Also called: Wilson's disease. Identifiers: Orphanet 905, MedGen C0019202, MONDO:0010200, OMIM 277900. Disease mechanism: loss of function.

gnomAD v4.1: 1 of 1,614,180 alleles (0.000062%); highest among the groups gnomAD compares: Non-Finnish European, 0.000085%; no homozygotes.

Submission:

Color Diagnostics, LLC DBA Color Health
Classification: Uncertain significance for Wilson disease. Last evaluated: 2025-06-17. Review status: criteria provided, single submitter. Criteria: ACMG Guidelines, 2015. Collection method: clinical testing. Allele origin: germline.
Comment: This missense variant replaces aspartic acid with valine at codon 1448 of the ATP7B protein. Computational prediction suggests that this variant may not impact protein structure and function. To our knowledge, functional studies have not been reported for this variant. This variant has not been reported in individuals affected with ATP7B-related disorders in the literature. This variant has been identified in 3/249526 chromosomes in the general population by the Genome Aggregation Database (gnomAD). The available evidence is insufficient to determine the role of this variant in disease conclusively. Therefore, this variant is classified as a Variant of Uncertain Significance.